The following is an entry in ClinVar:

ClinVar aggregate classification (germline): Benign/Likely benign. Review status: criteria provided, multiple submitters, no conflicts (2 of 4 stars). 3 submissions from 3 submitters: Benign (1); Likely benign (1). 1 of the submissions does not count toward it. Last evaluated 2026-02-03.

Conditions:
FGF12-related disorder. Also called: FGF12-related condition.

Allele frequency attached by ClinVar (database versions not stated): gnomAD exomes 0.00017 and 0.00078; gnomAD 0.00026 and 0.00033; TOPMed 0.00038; ExAC 0.00066; 1000 Genomes Project 0.00200; 1000 Genomes Project 30x 0.00219.
gnomAD v4.1: 308 of 1,583,644 alleles (0.019%); highest among the groups gnomAD compares: East Asian, 0.63%; 1 homozygote.

Submissions (4):

Labcorp Genetics (formerly Invitae), Labcorp
Classification: Benign. Last evaluated: 2026-02-03. Review status: criteria provided, single submitter. Criteria: Invitae Variant Classification Sherloc (09022015). Collection method: clinical testing. Allele origin: germline.

Blueprint Genetics
Classification: Likely benign. Last evaluated: 2024-04-22. Review status: criteria provided, single submitter. Criteria: ACMG Guidelines, 2015. Collection method: clinical testing. Allele origin: germline.

PreventionGenetics, part of Exact Sciences
Classification: Benign for FGF12-related condition. Last evaluated: 2024-06-20. Review status: no assertion criteria provided. Collection method: clinical testing. Allele origin: germline. Not counted in ClinVar's aggregate classification.
Comment: This variant is classified as benign based on ACMG/AMP sequence variant interpretation guidelines (Richards et al. 2015 PMID: 25741868, with internal and published modifications).

Dr. Peter K. Rogan Lab, Western University
No classification provided (evidence only). Condition: Thyroid cancer, nonmedullary, 1. Review status: no classification provided. Collection method: in vitro. Allele origin: not applicable. Functional consequence: retained intron. Not counted in ClinVar's aggregate classification.

NM_004113.6(FGF12):c.429G>A (p.Val143=)

Gene: FGF12 (fibroblast growth factor 12; minus strand). Cytogenetic location: 3q28.
Variant type: single nucleotide variant.
Coding change: c.429G>A on transcript NM_004113.6 (MANE Select); coding-DNA position 429, G replaced by A.
Protein change: p.Val143=; no amino-acid change (valine 143 retained).
Molecular consequence: synonymous variant.
Genome position (GRCh38, 1-based): chr3:192,144,126, C>T on the plus strand (G>A on the coding strand, the complement: FGF12 is on the minus strand). VCF-style: chr3-192144126-C-T. GRCh37 (hg19) VCF-style: chr3-191861915-C-T.
Other names: c.318G>A, p.Val106= (NM_001377292.1); c.357G>A, p.Val119= (NM_001377293.1, NM_001377294.1); c.615G>A, p.Val205= (NM_021032.5).
Identifiers: ClinVar variation 774098 (VCV000774098.12), dbSNP rs3732883, ClinGen allele CA2755720.